The following is an entry in ClinVar:

NM_001193315.2(VIPAS39):c.-1+408G>C

Gene: VIPAS39 (VPS33B interacting protein, apical-basolateral polarity regulator, spe-39 homolog; minus strand). Cytogenetic location: 14q24.3.
Variant type: single nucleotide variant.
Coding change: c.-1+408G>C on transcript NM_001193315.2 (MANE Select); 408 bases into the intron after 1 bases upstream of the start codon, G replaced by C.
Molecular consequence: intron variant.
Genome position (GRCh38, 1-based): chr14:77,457,087, C>G on the plus strand (G>C on the coding strand, the complement: VIPAS39 is on the minus strand). VCF-style: chr14-77457087-C-G. GRCh37 (hg19) VCF-style: chr14-77923430-C-G.
Other names: c.-1+408G>C (NM_001400337.1, NM_001193316.2, NM_001400333.1 and 6 more transcripts); c.-1+8G>C (NM_001400324.1, NM_001400334.1, NM_001400332.1 and 5 more transcripts); c.-1+231G>C (NM_001193317.2).
Identifiers: ClinVar variation 1805282 (VCV001805282.1), dbSNP rs144902427, ClinGen allele CA263828873.

ClinVar aggregate classification (germline): Likely benign (1 of 4 stars; one submission).

Conditions:
Arthrogryposis, renal dysfunction, and cholestasis 2 (ARCS2). Identifiers: Orphanet 2697, MedGen C3150672, MONDO:0013255, OMIM 613404.

Allele frequency attached by ClinVar (database versions not stated): TOPMed 0.00608; gnomAD 0.00691; 1000 Genomes Project 30x 0.01234; 1000 Genomes Project 0.01298.
gnomAD v4.1: 10,622 of 1,398,892 alleles (0.76%); highest among the groups gnomAD compares: South Asian, 3.8%; 114 homozygotes.

Submission:

Victorian Clinical Genetics Services, Murdoch Childrens Research Institute
Classification: Likely benign for Arthrogryposis, renal dysfunction, and cholestasis 2. Last evaluated: 2022-02-02. Review status: criteria provided, single submitter. Criteria: ACMG Guidelines, 2015. Collection method: clinical testing. Allele origin: germline. Inheritance: Autosomal recessive inheritance.
Comment: Based on the classification scheme VCGS_Germline_v1.3.2, this variant is classified as likely benign. Following criteria are met: 0308 - Population frequency for this variant is out of keeping with known incidence of autosomal recessive Arthrogryposis, renal dysfunction, and cholestasis 2 (MIM#613404). (SB) Legend: (SP) - Supporting pathogenic, (I) - Information, (SB) - Supporting benign